The following is an entry in ClinVar:

NM_021147.5(CCNO):c.412A>G (p.Ser138Gly)

Gene: CCNO (cyclin O; minus strand). Cytogenetic location: 5q11.2.
Variant type: single nucleotide variant.
Coding change: c.412A>G on transcript NM_021147.5 (MANE Select); coding-DNA position 412, A replaced by G.
Protein change: p.Ser138Gly; replaces serine 138 with glycine.
Molecular consequence: missense variant. On other transcripts: non-coding transcript variant (3).
Genome position (GRCh38, 1-based): chr5:55,232,516, T>C on the plus strand (A>G on the coding strand, the complement: CCNO is on the minus strand). VCF-style: chr5-55232516-T-C. GRCh37 (hg19) VCF-style: chr5-54528344-T-C.
Other names: short protein forms S138G.
Identifiers: ClinVar variation 3829154 (VCV003829154.2).

ClinVar aggregate classification (germline): Uncertain significance. Review status: criteria provided, multiple submitters, no conflicts (2 of 4 stars). 2 submissions from 2 submitters: Uncertain significance (2). Last evaluated 2025-03-16.

Conditions:
Inborn genetic diseases. Identifiers: MedGen C0950123, MeSH D030342.
Primary ciliary dyskinesia. Also called: Ciliary dyskinesia. Identifiers: Orphanet 244, MedGen C0008780, MONDO:0016575, HP:0012265.

Submissions (2):

Labcorp Genetics (formerly Invitae), Labcorp
Classification: Uncertain significance for Primary ciliary dyskinesia. Last evaluated: 2025-03-16. Review status: criteria provided, single submitter. Criteria: Invitae Variant Classification Sherloc (09022015). Collection method: clinical testing. Allele origin: germline.
Comment: This sequence change replaces serine, which is neutral and polar, with glycine, which is neutral and non-polar, at codon 138 of the CCNO protein (p.Ser138Gly). This variant is not present in population databases (gnomAD no frequency). This variant has not been reported in the literature in individuals affected with CCNO-related conditions. Invitae Evidence Modeling of protein sequence and biophysical properties (such as structural, functional, and spatial information, amino acid conservation, physicochemical variation, residue mobility, and thermodynamic stability) has been performed for this missense variant. However, the output from this modeling did not meet the statistical confidence thresholds required to predict the impact of this variant on CCNO protein function. In summary, the available evidence is currently insufficient to determine the role of this variant in disease. Therefore, it has been classified as a Variant of Uncertain Significance.

Ambry Genetics
Classification: Uncertain significance for Inborn genetic diseases. Last evaluated: 2025-02-12. Review status: criteria provided, single submitter. Criteria: Ambry Variant Classification Scheme 2023. Collection method: clinical testing. Allele origin: germline.